The following is an entry in ClinVar:

ClinVar aggregate classification (germline): Uncertain significance (1 of 4 stars; one submission).

Conditions:
Hypertrophic cardiomyopathy. Also called: HYPERTROPHIC MYOCARDIOPATHY. Identifiers: Orphanet 217569, MedGen C0007194, MeSH D002312, MONDO:0005045, HP:0001639.

Submission:

Labcorp Genetics (formerly Invitae), Labcorp
Classification: Uncertain significance for Hypertrophic cardiomyopathy. Last evaluated: 2020-10-19. Review status: criteria provided, single submitter. Criteria: Invitae Variant Classification Sherloc (09022015). Collection method: clinical testing. Allele origin: unknown.
Comment: This variant has not been reported in the literature in individuals with MYH7-related conditions. This variant results in the deletion of exons 16-19 and part of exon 15 (c.1456_2163-64delinsTCTGCCCATAGAATTC) of the MYH7 gene. It is expected to disrupt RNA splicing. Variants that disrupt the donor or acceptor splice site typically lead to a loss of protein function (PMID: 16199547), however the current clinical and genetic evidence is not sufficient to establish whether loss-of-function variants in MYH7 cause disease. In summary, the available evidence is currently insufficient to determine the role of this variant in disease. Therefore, it has been classified as a Variant of Uncertain Significance.

Literature cited by the submitters: PubMed 16199547.

NC_000014.8:g.(?_23895091)_(23897831_?)del

Gene: MYH7 (myosin heavy chain 7; minus strand). Cytogenetic location: 14q11.2.
Variant type: Deletion.
Identifiers: ClinVar variation 3243931 (VCV003243931.1).